The following is an entry in ClinVar:

ClinVar aggregate classification (germline): Uncertain significance (1 of 4 stars; one submission).

Submission:

GeneDx
Classification: Uncertain significance. Last evaluated: 2025-08-15. Review status: criteria provided, single submitter. Criteria: GeneDx Variant Classification Process June 2021. Collection method: clinical testing. Allele origin: germline. Affected: yes.
Comment: Not observed at significant frequency in large population cohorts (gnomAD); Frameshift variant predicted to result in abnormal protein length as the last 50 amino acid(s) are replaced with 10 different amino acid(s); Has not been previously published as pathogenic or benign to our knowledge

NM_144687.4(NLRP12):c.3034del (p.Asp1012fs)

Gene: NLRP12 (NLR family pyrin domain containing 12; minus strand). Cytogenetic location: 19q13.42.
Variant type: Deletion.
Coding change: c.3034del on transcript NM_144687.4 (MANE Select); coding-DNA position 3034, one base deleted (G; older notation c.3034delG).
Protein change: p.Asp1012fs; shifts the reading frame from aspartic acid 1012.
Molecular consequence: frameshift variant.
Genome position (GRCh38, 1-based): chr19:53,795,923, C deleted on the plus strand (G on the coding strand, the reverse complement: NLRP12 is on the minus strand); the first of 4 consecutive C bases (chr19:53,795,923-53,795,926); deleting any one gives the same sequence. VCF-style (leftmost placement, unchanged base first): chr19-53795922-TC-T. GRCh37 (hg19) VCF-style: chr19-54299176-TC-T.
Other names: c.3037del, p.Asp1013fs (NM_001277126.2); c.2863del, p.Asp955fs (NM_001277129.1); short protein forms D1012fs, D955fs, D1013fs.
Identifiers: ClinVar variation 4795447 (VCV004795447.1).